The following is an entry in ClinVar:

NM_001377334.1(PIK3C2B):c.4862C>G (p.Thr1621Ser)

Gene: PIK3C2B (phosphatidylinositol-4-phosphate 3-kinase catalytic subunit type 2 beta; minus strand). Cytogenetic location: 1q32.1.
Variant type: single nucleotide variant.
Coding change: c.4862C>G on transcript NM_001377334.1 (MANE Select); coding-DNA position 4862, C replaced by G.
Protein change: p.Thr1621Ser; replaces threonine 1621 with serine.
Molecular consequence: missense variant.
Genome position (GRCh38, 1-based): chr1:204,424,895, G>C on the plus strand (C>G on the coding strand, the complement: PIK3C2B is on the minus strand). VCF-style: chr1-204424895-G-C. GRCh37 (hg19) VCF-style: chr1-204394023-G-C.
Other names: c.4778C>G, p.Thr1593Ser (NM_001377335.1); c.4862C>G, p.Thr1621Ser (NM_002646.4); short protein forms T1621S, T1593S.
Identifiers: ClinVar variation 783961 (VCV000783961.6), dbSNP rs61758020, ClinGen allele CA1346986.
Genomic context (GRCh38, chr1:204,424,895, plus strand): 5'-TGGTGGCTCTGCTGGGCTCACAAGGTGCCATGACTTCGAGATCCCAGGGCGAACCAGCCG[G>C]TCTTCTCCTGAGCCAGGTCCAGCTCTCGCAGGCGGATGTTCACCTCACCGAGGAGGACGT-3'
Protein context (NP_001364263.1, residues 1611-1631): LRELDLAQEK[Thr1621Ser]GWFALGSRSH

ClinVar aggregate classification (germline): Conflicting classifications of pathogenicity. Review status: criteria provided, conflicting classifications (1 of 4 stars). 3 submissions from 3 submitters: Uncertain significance (1); Likely benign (1). 1 of the submissions does not count toward it. Last evaluated 2025-08-20.

Conditions:
PIK3C2B-related disorder. Also called: PIK3C2B-related condition.

Allele frequency attached by ClinVar (database versions not stated): gnomAD exomes 0.00018 and 0.00040; ExAC 0.00049; gnomAD 0.00161 and 0.00168; TOPMed 0.00210; 1000 Genomes Project 0.00220; ESP Exome Variant Server 0.00223; 1000 Genomes Project 30x 0.00234.

Submissions (3):

Ambry Genetics
Classification: Uncertain significance. Last evaluated: 2025-08-20. Review status: criteria provided, single submitter. Criteria: Ambry Variant Classification Scheme 2023. Collection method: clinical testing. Allele origin: germline.

Labcorp Genetics (formerly Invitae), Labcorp
Classification: Likely benign. Last evaluated: 2018-04-10. Review status: criteria provided, single submitter. Criteria: Invitae Variant Classification Sherloc (09022015). Collection method: clinical testing. Allele origin: germline.

PreventionGenetics, part of Exact Sciences
Classification: Likely benign for PIK3C2B-related condition. Last evaluated: 2019-03-25. Review status: no assertion criteria provided. Collection method: clinical testing. Allele origin: germline. Not counted in ClinVar's aggregate classification.
Comment: This variant is classified as likely benign based on ACMG/AMP sequence variant interpretation guidelines (Richards et al. 2015 PMID: 25741868, with internal and published modifications).